The following is an entry in ClinVar:

ClinVar aggregate classification (germline): Uncertain significance. Review status: criteria provided, multiple submitters, no conflicts (2 of 4 stars). 2 submissions from 2 submitters: Uncertain significance (2). Last evaluated 2025-03-26.

Conditions:
Hereditary cancer-predisposing syndrome. Also called: Hereditary neoplastic syndrome; Neoplastic Syndromes, Hereditary; Tumor predisposition; Hereditary Cancer Syndrome. Identifiers: Orphanet 140162, MedGen C0027672, MeSH D009386, MONDO:0015356.
Familial cancer of breast. Also called: Hereditary breast cancer; hereditary breast carcinoma; BREAST CANCER, FAMILIAL. Identifiers: Orphanet 227535, MedGen C0346153, MONDO:0016419, OMIM 114480. Disease mechanism: loss of function.

Allele frequency attached by ClinVar (database versions not stated): TOPMed below 0.00001.

Submissions (2):

Ambry Genetics
Classification: Uncertain significance for Hereditary cancer-predisposing syndrome. Last evaluated: 2025-03-26. Review status: criteria provided, single submitter. Criteria: Ambry Variant Classification Scheme 2023. Collection method: clinical testing. Allele origin: germline.
Comment: The p.L71F variant (also known as c.211C>T), located in coding exon 1 of the CHEK2 gene, results from a C to T substitution at nucleotide position 211. The leucine at codon 71 is replaced by phenylalanine, an amino acid with highly similar properties. This amino acid position is highly conserved in available vertebrate species. In addition, this alteration is predicted to be deleterious by in silico analysis. Based on the available evidence, the clinical significance of this variant remains unclear.

Labcorp Genetics (formerly Invitae), Labcorp
Classification: Uncertain significance for Familial cancer of breast. Last evaluated: 2024-08-24. Review status: criteria provided, single submitter. Criteria: Invitae Variant Classification Sherloc (09022015). Collection method: clinical testing. Allele origin: germline.
Comment: This sequence change replaces leucine, which is neutral and non-polar, with phenylalanine, which is neutral and non-polar, at codon 71 of the CHEK2 protein (p.Leu71Phe). This variant is not present in population databases (gnomAD no frequency). This variant has not been reported in the literature in individuals affected with CHEK2-related conditions. ClinVar contains an entry for this variant (Variation ID: 948037). An algorithm developed to predict the effect of missense changes on protein structure and function (PolyPhen-2) suggests that this variant is likely to be disruptive. In summary, the available evidence is currently insufficient to determine the role of this variant in disease. Therefore, it has been classified as a Variant of Uncertain Significance.

NM_007194.4(CHEK2):c.211C>T (p.Leu71Phe)

Gene: CHEK2 (checkpoint kinase 2; minus strand). Cytogenetic location: 22q12.1.
Variant type: single nucleotide variant.
Coding change: c.211C>T on transcript NM_007194.4 (MANE Select); coding-DNA position 211, C replaced by T.
Protein change: p.Leu71Phe; replaces leucine 71 with phenylalanine.
Molecular consequence: missense variant.
Genome position (GRCh38, 1-based): chr22:28,734,511, G>A on the plus strand (C>T on the coding strand, the complement: CHEK2 is on the minus strand). VCF-style: chr22-28734511-G-A. GRCh37 (hg19) VCF-style: chr22-29130499-G-A.
Other names: c.211C>T, p.Leu71Phe (NM_001005735.3, NM_001349956.3, NM_145862.3); c.-567C>T (NM_001257387.3); short protein forms L71F.
Identifiers: ClinVar variation 948037 (VCV000948037.12), dbSNP rs2054319509, ClinGen allele CA411090769.